The following is an entry in ClinVar:

ClinVar aggregate classification (germline): Pathogenic. Review status: criteria provided, multiple submitters, no conflicts (2 of 4 stars). 2 submissions from 2 submitters: Pathogenic (2). Last evaluated 2021-05-17.

Conditions:
Hereditary breast ovarian cancer syndrome. Also called: Hereditary breast and/or ovarian cancer syndrome; BRCA1- and BRCA2-Associated Hereditary Breast and Ovarian Cancer; Hereditary breast and ovarian cancer syndrome; Hereditary breast and ovarian cancer; Hereditary breast and ovarian cancer syndrome (HBOC); Breast and ovarian cancer. Identifiers: Orphanet 145, MedGen C0677776, MeSH D061325, MONDO:0003582. Disease mechanism: loss of function.
Hereditary cancer-predisposing syndrome. Also called: Neoplastic Syndromes, Hereditary; Tumor predisposition; Hereditary Cancer Syndrome; Hereditary neoplastic syndrome. Identifiers: Orphanet 140162, MedGen C0027672, MeSH D009386, MONDO:0015356.

Submissions (2):

Labcorp Genetics (formerly Invitae), Labcorp
Classification: Pathogenic for Hereditary breast ovarian cancer syndrome. Last evaluated: 2021-05-17. Review status: criteria provided, single submitter. Criteria: Invitae Variant Classification Sherloc (09022015). Collection method: clinical testing. Allele origin: germline.
Comment: For these reasons, this variant has been classified as Pathogenic. This variant has not been reported in the literature in individuals with BRCA1-related conditions. ClinVar contains an entry for this variant (Variation ID: 820554). This variant is not present in population databases (ExAC no frequency). This sequence change creates a premature translational stop signal (p.Gly677*) in the BRCA1 gene. It is expected to result in an absent or disrupted protein product. Loss-of-function variants in BRCA1 are known to be pathogenic (PMID: 20104584).

Ambry Genetics
Classification: Pathogenic for Hereditary cancer-predisposing syndrome. Last evaluated: 2019-09-11. Review status: criteria provided, single submitter. Criteria: Ambry Variant Classification Scheme 2023. Collection method: clinical testing. Allele origin: germline.
Comment: The p.G677* pathogenic mutation (also known as c.2029G>T), located in coding exon 9 of the BRCA1 gene, results from a G to T substitution at nucleotide position 2029. This changes the amino acid from a glycine to a stop codon within coding exon 9. This alteration is expected to result in loss of function by premature protein truncation or nonsense-mediated mRNA decay. As such, this alteration is interpreted as a disease-causing mutation.

Literature cited by the submitters: PubMed 20104584 (cited by Labcorp Genetics (formerly Invitae), Labcorp).

NM_007294.4(BRCA1):c.2029G>T (p.Gly677Ter)

Gene: BRCA1 (BRCA1 DNA repair associated; minus strand). Cytogenetic location: 17q21.31.
Variant type: single nucleotide variant.
Coding change: c.2029G>T on transcript NM_007294.4 (MANE Select); coding-DNA position 2029, G replaced by T.
Protein change: p.Gly677Ter; replaces glycine 677 with a stop codon.
Molecular consequence: nonsense. On other transcripts: intron variant (137).
Genome position (GRCh38, 1-based): chr17:43,093,502, C>A on the plus strand (G>T on the coding strand, the complement: BRCA1 is on the minus strand). VCF-style: chr17-43093502-C-A. GRCh37 (hg19) VCF-style: chr17-41245519-C-A.
Other names: c.1888G>T, p.Gly630Ter (NM_001407752.1, NM_001407750.1, NM_001407751.1 and 29 more transcripts); c.1885G>T, p.Gly629Ter (NM_001407748.1, NM_001407746.1, NM_001407747.1 and 20 more transcripts); c.1816G>T, p.Gly606Ter (NM_001407571.1, NM_001407853.1, NM_001407894.1 and 9 more transcripts); c.2029G>T, p.Gly677Ter (NM_001407581.1, NM_001407582.1, NM_001407583.1 and 30 more transcripts); c.2026G>T, p.Gly676Ter (NM_001407587.1, NM_001407590.1, NM_001407591.1 and 22 more transcripts); c.2020G>T, p.Gly674Ter (NM_001407646.1, NM_001407647.1); c.1906G>T, p.Gly636Ter (NM_001407648.1, NM_001407664.1, NM_001407665.1 and 19 more transcripts); c.1903G>T, p.Gly635Ter (NM_001407649.1, NM_001407670.1, NM_001407671.1 and 11 more transcripts); and 40 more; short protein forms G630*, G677*, G549*, G607*, G636*, G381*, G606*, G610*.
Identifiers: ClinVar variation 820554 (VCV000820554.11), dbSNP rs1597872603, ClinGen allele CA10597951.
Genomic context (GRCh38, chr17:43,093,502, plus strand): 5'-AAGTATCGCTGTCATGTCTTTTACTTGTCTGTTCATTTGGCTTGTTACTCTTCTTGGCTC[C>A]AGTTGCAGGTTCTTTACCTTCCATGAGTTGTAGGTTTCTGCTGTGCCTGACTGGCATTTG-3'